The following is an entry in ClinVar:

NM_005585.5(SMAD6):c.572T>A (p.Leu191Gln)

Gene: SMAD6 (SMAD family member 6; plus strand). Cytogenetic location: 15q22.31.
Variant type: single nucleotide variant.
Coding change: c.572T>A on transcript NM_005585.5 (MANE Select); coding-DNA position 572, T replaced by A.
Protein change: p.Leu191Gln; replaces leucine 191 with glutamine.
Molecular consequence: missense variant. On other transcripts: non-coding transcript variant (1).
Genome position (GRCh38, 1-based): chr15:66,703,830, T>A. VCF-style: chr15-66703830-T-A. GRCh37 (hg19) VCF-style: chr15-66996168-T-A.
Other names: short protein forms L191Q.
Identifiers: ClinVar variation 4631597 (VCV004631597.1).

ClinVar aggregate classification (germline): Uncertain significance (1 of 4 stars; one submission).

Conditions:
Inborn genetic diseases. Identifiers: MedGen C0950123, MeSH D030342.

Submission:

Ambry Genetics
Classification: Uncertain significance for Inborn genetic diseases. Last evaluated: 2025-09-17. Review status: criteria provided, single submitter. Criteria: Ambry Variant Classification Scheme 2023. Collection method: clinical testing. Allele origin: germline.
Comment: The p.L191Q variant (also known as c.572T>A), located in coding exon 1 of the SMAD6 gene, results from a T to A substitution at nucleotide position 572. The leucine at codon 191 is replaced by glutamine, an amino acid with dissimilar properties. This amino acid position is conserved. In addition, this alteration is predicted to be deleterious by in silico analysis. Based on the available evidence, the clinical significance of this variant remains unclear.